The following is an entry in ClinVar:

NM_000256.3(MYBPC3):c.2502G>T (p.Arg834=)

Gene: MYBPC3 (myosin binding protein C3; minus strand). Cytogenetic location: 11p11.2.
Variant type: single nucleotide variant.
Coding change: c.2502G>T on transcript NM_000256.3 (MANE Select); coding-DNA position 2502, G replaced by T.
Protein change: p.Arg834=; no amino-acid change (arginine 834 retained).
Molecular consequence: synonymous variant.
Genome position (GRCh38, 1-based): chr11:47,337,491, C>A on the plus strand (G>T on the coding strand, the complement: MYBPC3 is on the minus strand). VCF-style: chr11-47337491-C-A. GRCh37 (hg19) VCF-style: chr11-47359042-C-A.
Identifiers: ClinVar variation 3074369 (VCV003074369.1), dbSNP rs758371979, ClinGen allele CA050229.

ClinVar aggregate classification (germline): Likely benign (1 of 4 stars; one submission).

Conditions:
Hypertrophic cardiomyopathy. Also called: HYPERTROPHIC MYOCARDIOPATHY. Identifiers: Orphanet 217569, MedGen C0007194, MeSH D002312, MONDO:0005045, HP:0001639.

Allele frequency attached by ClinVar (database versions not stated): ExAC 0.00001.

Submission:

All of Us Research Program, National Institutes of Health
Classification: Likely benign for Hypertrophic cardiomyopathy. Last evaluated: 2023-11-02. Review status: criteria provided, single submitter. Criteria: ACMG Guidelines, 2015. Collection method: clinical testing. Allele origin: germline. Inheritance: Autosomal dominant inheritance. Observed: 1 variant allele, 1 heterozygote.
Comment: This study involves interpretation of variants in research participants for the purpose of population health screening. Participant phenotype was not available at the time of variant classification. Additional details can be found in publication PMID: 35346344, PMCID: PMC8962531